The following is an entry in ClinVar:

NM_000384.3(APOB):c.7005T>A (p.Asn2335Lys)

Gene: APOB (apolipoprotein B; minus strand). Cytogenetic location: 2p24.1.
Variant type: single nucleotide variant.
Coding change: c.7005T>A on transcript NM_000384.3 (MANE Select); coding-DNA position 7005, T replaced by A.
Protein change: p.Asn2335Lys; replaces asparagine 2335 with lysine.
Molecular consequence: missense variant.
Genome position (GRCh38, 1-based): chr2:21,009,863, A>T on the plus strand (T>A on the coding strand, the complement: APOB is on the minus strand). VCF-style: chr2-21009863-A-T. GRCh37 (hg19) VCF-style: chr2-21232735-A-T.
Other names: short protein forms N2335K.
Identifiers: ClinVar variation 2074522 (VCV002074522.4), dbSNP rs1663256966, ClinGen allele CA345999911.

ClinVar aggregate classification (germline): Uncertain significance (1 of 4 stars; one submission).

Conditions:
Familial hypobetalipoproteinemia 1. Also called: Hypobetalipoproteinemia, normotriglyceridemic; Acanthocytosis with hypobetalipoproteinemia; APOB-Related Familial Hypobetalipoproteinemia. Identifiers: MedGen C4551990, MONDO:0014252, OMIM 615558.
Hypercholesterolemia, autosomal dominant, type B (FHCL2). Also called: Familial hypercholesterolemia 2; Familial Hypercholesterolemia Type B; APOLIPOPROTEIN B-100, FAMILIAL DEFECTIVE; APOLIPOPROTEIN B-100, FAMILIAL LIGAND-DEFECTIVE; HYPERCHOLESTEROLEMIA, FAMILIAL, DUE TO LIGAND-DEFECTIVE APOLIPOPROTEIN B; Hyperlipoproteinemia Type IIb. Identifiers: MedGen C1704417, MONDO:0007751, OMIM 144010.

gnomAD v4.1: 10 of 1,614,038 alleles (0.00062%); highest among the groups gnomAD compares: Non-Finnish European, 0.00085%; no homozygotes.

Submission:

Labcorp Genetics (formerly Invitae), Labcorp
Classification: Uncertain significance for Familial hypobetalipoproteinemia 1; Hypercholesterolemia, autosomal dominant, type B. Last evaluated: 2022-08-21. Review status: criteria provided, single submitter. Criteria: Invitae Variant Classification Sherloc (09022015). Collection method: clinical testing. Allele origin: germline.
Comment: In summary, the available evidence is currently insufficient to determine the role of this variant in disease. Therefore, it has been classified as a Variant of Uncertain Significance. Algorithms developed to predict the effect of missense changes on protein structure and function output the following: SIFT: "Deleterious"; PolyPhen-2: "Benign"; Align-GVGD: "Class C0". The lysine amino acid residue is found in multiple mammalian species, which suggests that this missense change does not adversely affect protein function. This variant has not been reported in the literature in individuals affected with APOB-related conditions. This variant is not present in population databases (gnomAD no frequency). This sequence change replaces asparagine, which is neutral and polar, with lysine, which is basic and polar, at codon 2335 of the APOB protein (p.Asn2335Lys).